The following is an entry in ClinVar:

ClinVar aggregate classification (germline): Uncertain significance (1 of 4 stars; one submission).

Submission:

Labcorp Genetics (formerly Invitae), Labcorp
Classification: Uncertain significance. Last evaluated: 2022-02-22. Review status: criteria provided, single submitter. Criteria: Invitae Variant Classification Sherloc (09022015). Collection method: clinical testing. Allele origin: germline.
Comment: In summary, the available evidence is currently insufficient to determine the role of this variant in disease. Therefore, it has been classified as a Variant of Uncertain Significance. Algorithms developed to predict the effect of missense changes on protein structure and function (SIFT, PolyPhen-2, Align-GVGD) all suggest that this variant is likely to be disruptive. This variant has not been reported in the literature in individuals affected with CDH2-related conditions. This variant is not present in population databases (gnomAD no frequency). This sequence change replaces glutamine, which is neutral and polar, with arginine, which is basic and polar, at codon 791 of the CDH2 protein (p.Gln791Arg).

NM_001792.5(CDH2):c.2372A>G (p.Gln791Arg)

Genes: CDH2 (cadherin 2; minus strand), CDH2-AS1 (CDH2 antisense RNA 1; plus strand). Cytogenetic location: 18q12.1.
Variant type: single nucleotide variant.
Coding change: c.2372A>G on transcript NM_001792.5 (MANE Select); coding-DNA position 2372, A replaced by G.
Protein change: p.Gln791Arg; replaces glutamine 791 with arginine.
Molecular consequence: missense variant.
Genome position (GRCh38, 1-based): chr18:27,963,499, T>C on the plus strand (A>G on the coding strand, the complement: CDH2 is on the minus strand). VCF-style: chr18-27963499-T-C. GRCh37 (hg19) VCF-style: chr18-25543463-T-C.
Other names: c.2279A>G, p.Gln760Arg (NM_001308176.2); short protein forms Q760R, Q791R.
Identifiers: ClinVar variation 2102211 (VCV002102211.4), dbSNP rs2510777074, ClinGen allele CA402104352.
Genomic context (GRCh38, chr18:27,963,499, plus strand): 5'-TCATCCATTCGTCGGATTCCCACAGGCTTGATGGCATCAGGCTCCACAGTGTCAGGCTGC[T>C]GCAGCTGGCTCAAGTCATAGTCCTGCAAAAAGACAAAATCAAAAACCGATGGGAGATGGG-3'
Protein context (NP_001783.2, residues 781-801): EDQDYDLSQL[Gln791Arg]QPDTVEPDAI